The following is an entry in ClinVar:

NM_001378778.1(MPDZ):c.1204C>T (p.Pro402Ser)

Gene: MPDZ (multiple PDZ domain crumbs cell polarity complex component; minus strand). Cytogenetic location: 9p23.
Variant type: single nucleotide variant.
Coding change: c.1204C>T on transcript NM_001378778.1 (MANE Select); coding-DNA position 1204, C replaced by T.
Protein change: p.Pro402Ser; replaces proline 402 with serine.
Molecular consequence: missense variant.
Genome position (GRCh38, 1-based): chr9:13,216,860, G>A on the plus strand (C>T on the coding strand, the complement: MPDZ is on the minus strand). VCF-style: chr9-13216860-G-A. GRCh37 (hg19) VCF-style: chr9-13216859-G-A.
Other names: c.1204C>T, p.Pro402Ser (NM_001261406.2, NM_001261407.2, NM_001330637.2 and 14 more transcripts); short protein forms P402S.
Identifiers: ClinVar variation 1515688 (VCV001515688.3), dbSNP rs2136127033, ClinGen allele CA372944701.

ClinVar aggregate classification (germline): Uncertain significance (1 of 4 stars; one submission).

Allele frequency attached by ClinVar (database versions not stated): gnomAD exomes 0.00002.
gnomAD v4.1: 25 of 1,606,352 alleles (0.0016%); highest among the groups gnomAD compares: African/African-American, 0.0027%; no homozygotes.

Submission:

Labcorp Genetics (formerly Invitae), Labcorp
Classification: Uncertain significance. Last evaluated: 2021-11-04. Review status: criteria provided, single submitter. Criteria: Invitae Variant Classification Sherloc (09022015). Collection method: clinical testing. Allele origin: germline.
Comment: This sequence change replaces proline, which is neutral and non-polar, with serine, which is neutral and polar, at codon 402 of the MPDZ protein (p.Pro402Ser). This variant is not present in population databases (gnomAD no frequency). This variant has not been reported in the literature in individuals affected with MPDZ-related conditions. Algorithms developed to predict the effect of missense changes on protein structure and function output the following: SIFT: "Tolerated"; PolyPhen-2: "Benign"; Align-GVGD: "Class C0". The serine amino acid residue is found in multiple mammalian species, which suggests that this missense change does not adversely affect protein function. In summary, the available evidence is currently insufficient to determine the role of this variant in disease. Therefore, it has been classified as a Variant of Uncertain Significance.